The following is an entry in ClinVar:

GRCh38/hg38 1p11.2-q22(chr1:120836007-149583533)x3

Genes: ACP6 (acid phosphatase 6, lysophosphatidic; minus strand), ANKRD34A (ankyrin repeat domain 34A; minus strand), ANKRD35 (ankyrin repeat domain 35; minus strand), ANKRD35-DT (ANKRD35 divergent transcript; plus strand), BCL9 (BCL9 transcription coactivator; plus strand) and 220 more. Cytogenetic location: 1p11.2-q22.
Variant type: copy number gain.
Change: copy number 3 (three copies instead of two) of chr1:120,836,007-149,583,533 (28.75 Mb, GRCh38 coordinates, 1-based), cytogenetic band 1p11.2-q22.
Identifiers: ClinVar variation 57409 (VCV000057409.1).

ClinVar aggregate classification (germline): Pathogenic (1 of 4 stars; one submission).

Submission:

ISCA site 4
Classification: Pathogenic. Last evaluated: 2011-08-12. Review status: criteria provided, single submitter. Criteria: Kaminsky et al. (Genet Med. 2011). Collection method: clinical testing. Allele origin: unknown. Affected: yes. Observed: 1 variant allele.
Comment: Copy number variation identified through the course of routine clinical cytogenomic testing in postnatal populations. Clinical assertions have been curated as described in Kaminsky et al. 2011.